The following is an entry in ClinVar:

ClinVar aggregate classification (germline): Likely pathogenic. Review status: criteria provided, single submitter (1 of 4 stars). 2 submissions from 2 submitters: Likely pathogenic (1). 1 of the submissions does not count toward it. Last evaluated 2024-09-24.

Conditions:
Metachromatic leukodystrophy (MLD). Also called: Cerebral sclerosis diffuse metachromatic form; Arylsulfatase A Deficiency; ARSA DEFICIENCY; CEREBROSIDE SULFATASE DEFICIENCY; METACHROMATIC LEUKOENCEPHALOPATHY; SULFATIDE LIPIDOSIS. Identifiers: Orphanet 512, MedGen C0023522, MONDO:0018868, OMIM 250100.

gnomAD v4.1: 1 of 1,604,648 alleles (0.000062%); highest among the groups gnomAD compares: Non-Finnish European, 0.000085%; no homozygotes.

Submissions (2):

Women's Health and Genetics/Laboratory Corporation of America, LabCorp
Classification: Likely pathogenic for Metachromatic leukodystrophy. Last evaluated: 2024-09-24. Review status: criteria provided, single submitter. Criteria: LabCorp Variant Classification Summary - May 2015. Collection method: clinical testing. Allele origin: germline.
Comment: Variant summary: ARSA c.257G>T (p.Arg86Leu) results in a non-conservative amino acid change in the encoded protein sequence. Four of four in-silico tools predict a damaging effect of the variant on protein function. The variant was absent in 225598 control chromosomes (gnomAD). c.257G>T has been reported in the literature in an individual affected with Metachromatic Leukodystrophy (Luzi_2013). Other variants affecting the same codon have been classified as pathogenic by our lab (c.256C>T/p.Arg86Trp, c.257G>A/p.Arg86Gln), supporting the critical relevance of codon 86 to ARSA protein function. To our knowledge, no experimental evidence demonstrating an impact on protein function has been reported. The following publication has been ascertained in the context of this evaluation (PMID: 24001781). ClinVar contains an entry for this variant (Variation ID: 556866). Based on the evidence outlined above, the variant was classified as likely pathogenic.

Counsyl
Classification: Uncertain significance for Metachromatic leukodystrophy. Last evaluated: 2018-02-21. Review status: no assertion criteria provided. Collection method: clinical testing. Allele origin: unknown. Not counted in ClinVar's aggregate classification.

Literature cited by the submitters: PubMed 24001781 (cited by Women's Health and Genetics/Laboratory Corporation of America, LabCorp and Counsyl).

NM_000487.6(ARSA):c.257G>T (p.Arg86Leu)

Gene: ARSA (arylsulfatase A; minus strand). Cytogenetic location: 22q13.33.
Variant type: single nucleotide variant.
Coding change: c.257G>T on transcript NM_000487.6 (MANE Select); coding-DNA position 257, G replaced by T.
Protein change: p.Arg86Leu; replaces arginine 86 with leucine.
Molecular consequence: missense variant. On other transcripts: 5 prime UTR variant (2).
Genome position (GRCh38, 1-based): chr22:50,627,374, C>A on the plus strand (G>T on the coding strand, the complement: ARSA is on the minus strand). VCF-style: chr22-50627374-C-A. GRCh37 (hg19) VCF-style: chr22-51065802-C-A.
Other names: c.257G>T, p.Arg86Leu (NM_001085425.3, NM_001085426.3, NM_001085427.3); c.-2G>T (NM_001085428.3, NM_001362782.2); short protein forms R86L.
Identifiers: ClinVar variation 556866 (VCV000556866.3), dbSNP rs74315458, ClinGen allele CA412181784.